The following is an entry in ClinVar:

NM_000310.4(PPT1):c.541G>C (p.Val181Leu)

Gene: PPT1 (palmitoyl-protein thioesterase 1; minus strand). Cytogenetic location: 1p34.2.
Variant type: single nucleotide variant.
Coding change: c.541G>C on transcript NM_000310.4 (MANE Select); coding-DNA position 541, G replaced by C.
Protein change: p.Val181Leu; replaces valine 181 with leucine.
Molecular consequence: missense variant.
Genome position (GRCh38, 1-based): chr1:40,080,483, C>G on the plus strand (G>C on the coding strand, the complement: PPT1 is on the minus strand). VCF-style: chr1-40080483-C-G. GRCh37 (hg19) VCF-style: chr1-40546155-C-G.
Other names: c.232G>C, p.Val78Leu (NM_001142604.2); c.541G>C, p.Val181Leu (NM_001363695.2); short protein forms V181L, V78L.
Identifiers: ClinVar variation 1072746 (VCV001072746.13), dbSNP rs148412181, ClinGen allele CA339847926.
Genomic context (GRCh38, chr1:40,080,483, plus strand): 5'-AGATGCTGTGGTTGCGATACACATCCTCCTTTATGGGGTCATGCCAGTATTCGGCTTGCA[C>G]GAGGCTGTAGGAAAAAAAAAGAATGAGGTGATCAAGCTACAGGTCAGTCAGTACGCCCAG-3'
Protein context (NP_000301.1, residues 171-191): AYSKVVQERL[Val181Leu]QAEYWHDPIK

ClinVar aggregate classification (germline): Pathogenic/Likely pathogenic. Review status: criteria provided, multiple submitters, no conflicts (2 of 4 stars). 4 submissions from 4 submitters: Pathogenic (1); Likely pathogenic (3). Last evaluated 2025-02-17.

Conditions:
Neuronal ceroid lipofuscinosis 1 (CLN1). Also called: CEROID LIPOFUSCINOSIS, NEURONAL, 1, VARIABLE AGE AT ONSET; PPT1-Related Neuronal Ceroid-Lipofuscinosis. Identifiers: Orphanet 228329, MedGen C1850451, MONDO:0009744, OMIM 256730.

gnomAD v4.1: 2 of 1,613,306 alleles (0.00012%); highest among the groups gnomAD compares: Non-Finnish European, 0.00017%; no homozygotes.

Submissions (4):

Natera, Inc.
Classification: Likely pathogenic for Neuronal ceroid lipofuscinosis 1. Last evaluated: 2025-02-17. Review status: criteria provided, single submitter. Criteria: Natera Variant Classification Schema (03/2026). Collection method: clinical testing. Allele origin: germline.
Comment: The c.541G>C variant in PPT1 is a missense variant predicted to cause substitution of valine to leucine at amino acid 181. This variant is rare in the general population with a frequency below the threshold expected for the associated phenotype(s). Functional studies show that this variant may disrupt protein function (PMID: 28878621). Another variant at this same site results in an alteration predicted to cause a similar molecular effect has been observed in individual(s) with the associated phenotype. A different variant at the same position has been determined to be Pathogenic or Likely Pathogenic. Computational prediction algorithms indicate this variant is likely to affect gene or protein function. Given the available evidence, this variant is classified as Likely Pathogenic.

Baylor Genetics
Classification: Likely pathogenic for Neuronal ceroid lipofuscinosis 1. Last evaluated: 2024-02-02. Review status: criteria provided, single submitter. Criteria: ACMG Guidelines, 2015. Collection method: clinical testing. Allele origin: unknown.

Labcorp Genetics (formerly Invitae), Labcorp
Classification: Pathogenic for Neuronal ceroid lipofuscinosis 1. Last evaluated: 2023-11-06. Review status: criteria provided, single submitter. Criteria: Invitae Variant Classification Sherloc (09022015). Collection method: clinical testing. Allele origin: germline.
Comment: This sequence change replaces valine, which is neutral and non-polar, with leucine, which is neutral and non-polar, at codon 181 of the PPT1 protein (p.Val181Leu). This variant is not present in population databases (gnomAD no frequency). A different variant (c.541G>T) giving rise to the same protein effect has been determined to be pathogenic (PMID: 10477428, 19302939, 21499717). This suggests that this variant is also likely to be causative of disease. ClinVar contains an entry for this variant (Variation ID: 1072746). Advanced modeling of protein sequence and biophysical properties (such as structural, functional, and spatial information, amino acid conservation, physicochemical variation, residue mobility, and thermodynamic stability) performed at Invitae indicates that this missense variant is expected to disrupt PPT1 protein function with a positive predictive value of 80%. This variant disrupts the p.Val181 amino acid residue in PPT1. Other variant(s) that disrupt this residue have been determined to be pathogenic (PMID: 22387303, 23374165). This suggests that this residue is clinically significant, and that variants that disrupt this residue are likely to be disease-causing. For these reasons, this variant has been classified as Pathogenic.

GeneDx
Classification: Likely pathogenic. Last evaluated: 2021-05-03. Review status: criteria provided, single submitter. Criteria: GeneDx Variant Classification Process June 2021. Collection method: clinical testing. Allele origin: germline. Affected: yes.
Comment: Not observed in large population cohorts (Lek et al., 2016); In silico analysis, which includes protein predictors and evolutionary conservation, supports that this variant does not alter protein structure/function; Has not been previously published as pathogenic or benign to our knowledge

Literature cited by the submitters: PubMed 28878621 (cited by Natera, Inc.); PubMed 10477428 (cited by Labcorp Genetics (formerly Invitae), Labcorp); PubMed 19302939 (cited by Labcorp Genetics (formerly Invitae), Labcorp); PubMed 21499717 (cited by Labcorp Genetics (formerly Invitae), Labcorp); PubMed 22387303 (cited by Labcorp Genetics (formerly Invitae), Labcorp); PubMed 23374165 (cited by Labcorp Genetics (formerly Invitae), Labcorp).